The following is an entry in ClinVar:

ClinVar aggregate classification (germline): Uncertain significance (1 of 4 stars; one submission).

Submission:

Women's Health and Genetics/Laboratory Corporation of America, LabCorp
Classification: Uncertain significance. Last evaluated: 2026-06-03. Review status: criteria provided, single submitter. Criteria: LabCorp Variant Classification Summary - May 2015. Collection method: clinical testing. Allele origin: germline.
Comment: Variant summary: H19 n.1808C>T alters a nucleotide in the non-coding RNA. The variant allele was found at a frequency of 4.4e-05 in 228476 control chromosomes. This frequency is not significantly higher than estimated for disease-causing variants in H19, allowing no conclusion about variant significance. To our knowledge, no occurrence of n.1808C>T in individuals affected with H19-related conditions and no experimental evidence demonstrating its impact on protein function have been reported. No submitters have cited clinical-significance assessments for this variant to ClinVar. Based on the evidence outlined above, the variant was classified as uncertain significance.

NR_002196.3(H19):n.1775C>T

Genes: H19 (H19 imprinted maternally expressed transcript; minus strand), HOTS (H19 opposite tumor suppressor; plus strand), MRPL23 (mitochondrial ribosomal protein L23; plus strand). Cytogenetic location: 11p15.5.
Variant type: single nucleotide variant.
Molecular consequence: non-coding transcript variant (on NR_002196.3). On other transcripts: intron variant (1).
Genome position: GRCh38 VCF-style: chr11-1995716-G-A. GRCh37 (hg19) VCF-style: chr11-2016946-G-A.
Other names: c.498-15825G>A (NM_001400176.1).
Identifiers: ClinVar variation 4887542 (VCV004887542.1).